The following is an entry in ClinVar:

ClinVar aggregate classification (germline): Likely benign. Review status: criteria provided, single submitter (1 of 4 stars). 2 submissions from 2 submitters: Likely benign (1). 1 of the submissions does not count toward it. Last evaluated 2026-04-01.

Conditions:
INSR-related disorder.

Allele frequency attached by ClinVar (database versions not stated): TOPMed below 0.00001; gnomAD 0.00001; gnomAD exomes 0.00001; ExAC 0.00002.
gnomAD v4.1: 13 of 1,613,510 alleles (0.00081%); highest among the groups gnomAD compares: Middle Eastern, 0.049%; no homozygotes.

Submissions (2):

CeGaT Center for Human Genetics Tuebingen
Classification: Likely benign. Last evaluated: 2026-04-01. Review status: criteria provided, single submitter. Criteria: CeGaT Center For Human Genetics Tuebingen Variant Classification Criteria Version 2. Collection method: clinical testing. Allele origin: germline. Affected: yes. Observed: 1 variant allele.
Comment: INSR: BP4, BP7

PreventionGenetics, part of Exact Sciences
Classification: Likely benign for INSR-related condition. Last evaluated: 2019-05-28. Review status: no assertion criteria provided. Collection method: clinical testing. Allele origin: germline. Not counted in ClinVar's aggregate classification.
Comment: This variant is classified as likely benign based on ACMG/AMP sequence variant interpretation guidelines (Richards et al. 2015 PMID: 25741868, with internal and published modifications).

NM_000208.4(INSR):c.1884A>G (p.Pro628=)

Gene: INSR (insulin receptor; minus strand). Cytogenetic location: 19p13.2.
Variant type: single nucleotide variant.
Coding change: c.1884A>G on transcript NM_000208.4 (MANE Select); coding-DNA position 1884, A replaced by G.
Protein change: p.Pro628=; no amino-acid change (proline 628 retained).
Molecular consequence: synonymous variant.
Genome position (GRCh38, 1-based): chr19:7,163,177, T>C on the plus strand (A>G on the coding strand, the complement: INSR is on the minus strand). VCF-style: chr19-7163177-T-C. GRCh37 (hg19) VCF-style: chr19-7163188-T-C.
Other names: c.1884A>G, p.Pro628= (NM_001079817.3).
Identifiers: ClinVar variation 3039656 (VCV003039656.4), dbSNP rs771494156, ClinGen allele CA9135719.
Genomic context (GRCh38, chr19:7,163,177, plus strand): 5'-GGGGTCGGAGGGTGGTTTCCACTTCAGAATAATCTGGGATGATGAGTTAGACACTGAGAT[T>C]GGATCCAGGGGCACAGAGGGGTCTGTCAGGGAGAAAGGAAATGGGTCCATCATGAGAAAC-3'
Protein context (NP_000199.2, residues 618-638): DATNPSVPLD[Pro628=]ISVSNSSSQI